The following is an entry in ClinVar:

NM_006147.4(IRF6):c.26G>A (p.Arg9Gln)

Gene: IRF6 (interferon regulatory factor 6; minus strand). Cytogenetic location: 1q32.2.
Variant type: single nucleotide variant.
Coding change: c.26G>A on transcript NM_006147.4 (MANE Select); coding-DNA position 26, G replaced by A.
Protein change: p.Arg9Gln; replaces arginine 9 with glutamine.
Molecular consequence: missense variant. On other transcripts: intron variant (1).
Genome position (GRCh38, 1-based): chr1:209,801,388, C>T on the plus strand (G>A on the coding strand, the complement: IRF6 is on the minus strand). VCF-style: chr1-209801388-C-T. GRCh37 (hg19) VCF-style: chr1-209974733-C-T.
Other names: c.-112+4559G>A (NM_001206696.2); short protein forms R9Q.
Identifiers: ClinVar variation 449040 (VCV000449040.5), dbSNP rs1553248640, ClinGen allele CA344586101.

ClinVar aggregate classification (germline): Conflicting classifications of pathogenicity. Review status: criteria provided, conflicting classifications (1 of 4 stars). 2 submissions from 2 submitters: Likely pathogenic (1); Uncertain significance (1). Last evaluated 2026-08-11.

Conditions:
Orofacial cleft 6, susceptibility to (OFC6). Also called: CLEFT LIP WITH OR WITHOUT CLEFT PALATE, NONSYNDROMIC, 6. Identifiers: MedGen C1837213, MONDO:0012141, OMIM 608864.
Van der Woude syndrome. Identifiers: Orphanet 888, MedGen C0175697, MONDO:0019508.
Popliteal pterygium syndrome (PPS). Identifiers: Orphanet 294963, MedGen C0265259, MONDO:0017435.

Allele frequency attached by ClinVar (database versions not stated): gnomAD exomes below 0.00001.
gnomAD v4.1: 2 of 1,610,164 alleles (0.00012%); highest among the groups gnomAD compares: Non-Finnish European, 0.000085%; no homozygotes.

Submissions (2):

GeneDx
Classification: Likely pathogenic. Last evaluated: 2026-08-11. Review status: criteria provided, single submitter. Criteria: GeneDx Variant Classification Process June 2021. Collection method: clinical testing. Allele origin: germline.
Comment: Not observed at significant frequency in large population cohorts (gnomAD); In silico analysis supports that this missense variant has a deleterious effect on protein structure/function; This variant is associated with the following publications: (PMID: 19282774, 38370976, 30053123, 38695759)

Labcorp Genetics (formerly Invitae), Labcorp
Classification: Uncertain significance for Orofacial cleft 6, susceptibility to; Van der Woude syndrome; Popliteal pterygium syndrome. Last evaluated: 2025-06-22. Review status: criteria provided, single submitter. Criteria: Invitae Variant Classification Sherloc (09022015). Collection method: clinical testing. Allele origin: germline.
Comment: This sequence change replaces arginine, which is basic and polar, with glutamine, which is neutral and polar, at codon 9 of the IRF6 protein (p.Arg9Gln). This variant is not present in population databases (gnomAD no frequency). This missense change has been observed in individual(s) with clinical features of IRF6-related conditions (PMID: 19282774, 30053123). ClinVar contains an entry for this variant (Variation ID: 449040). Invitae Evidence Modeling of protein sequence and biophysical properties (such as structural, functional, and spatial information, amino acid conservation, physicochemical variation, residue mobility, and thermodynamic stability) indicates that this missense variant is not expected to disrupt IRF6 protein function with a negative predictive value of 80%. This variant disrupts the p.Arg9 amino acid residue in IRF6. Other variant(s) that disrupt this residue have been determined to be pathogenic (PMID: 15472655, 19449419, 31468312; internal data). This suggests that this residue is clinically significant, and that variants that disrupt this residue are likely to be disease-causing. In summary, the available evidence is currently insufficient to determine the role of this variant in disease. Therefore, it has been classified as a Variant of Uncertain Significance.

Literature cited by the submitters: PubMed 19282774 (cited by Labcorp Genetics (formerly Invitae), Labcorp); PubMed 30053123 (cited by Labcorp Genetics (formerly Invitae), Labcorp); PubMed 15472655 (cited by Labcorp Genetics (formerly Invitae), Labcorp); PubMed 19449419 (cited by Labcorp Genetics (formerly Invitae), Labcorp); PubMed 31468312 (cited by Labcorp Genetics (formerly Invitae), Labcorp).